The following is an entry in ClinVar:

ClinVar aggregate classification (germline): Uncertain significance (1 of 4 stars; one submission).

Conditions:
Charcot-Marie-Tooth disease type 2. Also called: Charcot-Marie-Tooth type 2. Identifiers: Orphanet 64746, MedGen C0270914, MONDO:0018993.

gnomAD v4.1: 3 of 1,614,078 alleles (0.00019%); highest among the groups gnomAD compares: African/African-American, 0.0013%; no homozygotes.

Submission:

Labcorp Genetics (formerly Invitae), Labcorp
Classification: Uncertain significance for Charcot-Marie-Tooth disease type 2. Last evaluated: 2022-06-26. Review status: criteria provided, single submitter. Criteria: Invitae Variant Classification Sherloc (09022015). Collection method: clinical testing. Allele origin: germline.
Comment: In summary, the available evidence is currently insufficient to determine the role of this variant in disease. Therefore, it has been classified as a Variant of Uncertain Significance. This variant is not present in population databases (gnomAD no frequency). This variant has not been reported in the literature in individuals affected with MED25-related conditions. Algorithms developed to predict the effect of missense changes on protein structure and function are either unavailable or do not agree on the potential impact of this missense change (SIFT: "Deleterious"; PolyPhen-2: "Probably Damaging"; Align-GVGD: "Class C0"). This sequence change replaces alanine, which is neutral and non-polar, with proline, which is neutral and non-polar, at codon 77 of the MED25 protein (p.Ala77Pro).

NM_030973.4(MED25):c.229G>C (p.Ala77Pro)

Gene: MED25 (mediator complex subunit 25; plus strand). Cytogenetic location: 19q13.33.
Variant type: single nucleotide variant.
Coding change: c.229G>C on transcript NM_030973.4 (MANE Select); coding-DNA position 229, G replaced by C.
Protein change: p.Ala77Pro; replaces alanine 77 with proline.
Molecular consequence: missense variant.
Genome position (GRCh38, 1-based): chr19:49,819,220, G>C. VCF-style: chr19-49819220-G-C. GRCh37 (hg19) VCF-style: chr19-50322477-G-C.
Other names: c.229G>C, p.Ala77Pro (NM_001378355.1); short protein forms A77P.
Identifiers: ClinVar variation 1500785 (VCV001500785.6), dbSNP rs1290551836, ClinGen allele CA406909524.